The following is an entry in ClinVar:

ClinVar aggregate classification (germline): Pathogenic (1 of 4 stars; one submission).

Conditions:
Inborn genetic diseases. Identifiers: MedGen C0950123, MeSH D030342.

Submission:

Ambry Genetics
Classification: Pathogenic for Inborn genetic diseases. Last evaluated: 2024-08-05. Review status: criteria provided, single submitter. Criteria: Ambry Variant Classification Scheme 2023. Collection method: clinical testing. Allele origin: germline.
Comment: The c.59_98del40 (p.P20Rfs*35) alteration, located in exon 1 (coding exon 1) of the ASPM gene, consists of a deletion of 40 nucleotides from position 59 to 98, causing a translational frameshift with a predicted alternate stop codon after 35 amino acids. This alteration is expected to result in loss of function by premature protein truncation or nonsense-mediated mRNA decay. This variant was not reported in population-based cohorts in the Genome Aggregation Database (gnomAD). Based on the available evidence, this alteration is classified as pathogenic.

NM_018136.5(ASPM):c.59_98del (p.Pro20fs)

Genes: ASPM (assembly factor for spindle microtubules; minus strand), LOC129932155 (ATAC-STARR-seq lymphoblastoid silent region 1659; plus strand). Cytogenetic location: 1q31.3.
Variant type: Deletion.
Coding change: c.59_98del on transcript NM_018136.5 (MANE Select); coding-DNA positions 59 to 98, 40 bases deleted.
Protein change: p.Pro20fs; shifts the reading frame from proline 20.
Molecular consequence: frameshift variant.
Genome position (GRCh38, 1-based): chr1:197,146,340-197,146,379, 40 bases deleted; deleting any 40 consecutive bases within chr1:197,146,340-197,146,385 gives the same sequence; the c. name uses the placement nearest the transcript's 3' end. GRCh37 (hg19): chr1:197,115,476-197,115,515.
Other names: c.59_98del, p.Pro20fs (NM_001206846.2); short protein forms P20fs.
Identifiers: ClinVar variation 3437071 (VCV003437071.1).
Genomic context (GRCh38, chr1:197,146,339, plus strand): 5'-CCCGAAGCAAAGGAAAGGAGACCTGCAGAAGTGGCTGAGAGACAGGACCGGCGGGGAAGA[CGCCTCCTCCTCGGCCGCGGGGCCCCGCAGCCCCGCGGGCG>C]GCCTCCGCTCGGTCGGGCTCACTTCCCAGCAGCCTCGCCCCACTCGCCGGTTCGCCATGG-3'